The following is an entry in ClinVar:

NM_024611.6(ICE2):c.1242A>G (p.Ser414=)

Gene: ICE2 (interactor of little elongation complex ELL subunit 2; minus strand). Cytogenetic location: 15q22.2.
Variant type: single nucleotide variant.
Coding change: c.1242A>G on transcript NM_024611.6 (MANE Select); coding-DNA position 1242, A replaced by G.
Protein change: p.Ser414=; no amino-acid change (serine 414 retained).
Molecular consequence: synonymous variant. On other transcripts: non-coding transcript variant (1).
Genome position (GRCh38, 1-based): chr15:60,449,725, T>C on the plus strand (A>G on the coding strand, the complement: ICE2 is on the minus strand). VCF-style: chr15-60449725-T-C. GRCh37 (hg19) VCF-style: chr15-60741924-T-C.
Other names: c.831A>G, p.Ser277= (NM_001018089.3).
Identifiers: ClinVar variation 3045480 (VCV003045480.2), dbSNP rs766076147, ClinGen allele CA7593004.
Genomic context (GRCh38, chr15:60,449,725, plus strand): 5'-GGCTGTAGGAGCATCTGTCATGTTAGGTACTGTGGAAGTACTTGCTGGACTTGGTGATTT[T>C]GATACTTTGGTGGTGGTTACTCCAAAAGTTTCAAGTTCTGTGACATCATCATCAAAATCC-3'
Protein context (NP_078887.2, residues 404-424): ETFGVTTTKV[Ser414=]KSPSPASTST

ClinVar aggregate classification (germline): Likely benign (0 of 4 stars; one submission).

Conditions:
ICE2-related disorder. Also called: ICE2-related condition.

Allele frequency attached by ClinVar (database versions not stated): gnomAD 0.00001; TOPMed 0.00001; ExAC 0.00002.
gnomAD v4.1: 17 of 1,614,068 alleles (0.0011%); highest among the groups gnomAD compares: Admixed American, 0.025%; no homozygotes.

Submission:

PreventionGenetics, part of Exact Sciences
Classification: Likely benign for ICE2-related condition. Last evaluated: 2019-11-12. Review status: no assertion criteria provided. Collection method: clinical testing. Allele origin: germline.
Comment: This variant is classified as likely benign based on ACMG/AMP sequence variant interpretation guidelines (Richards et al. 2015 PMID: 25741868, with internal and published modifications).